The following is an entry in ClinVar:

NM_001127208.3(TET2):c.3468T>A (p.Asn1156Lys)

Genes: TET2 (tet methylcytosine dioxygenase 2; plus strand), TET2-AS1 (TET2 antisense RNA 1; minus strand). Cytogenetic location: 4q24.
Variant type: single nucleotide variant.
Coding change: c.3468T>A on transcript NM_001127208.3 (MANE Select); coding-DNA position 3468, T replaced by A.
Protein change: p.Asn1156Lys; replaces asparagine 1156 with lysine.
Molecular consequence: missense variant. On other transcripts: 3 prime UTR variant (1).
Genome position (GRCh38, 1-based): chr4:105,241,397, T>A. VCF-style: chr4-105241397-T-A. GRCh37 (hg19) VCF-style: chr4-106162554-T-A.
Other names: c.*3957T>A (NM_017628.4); short protein forms N1156K.
Identifiers: ClinVar variation 3805935 (VCV003805935.1).

ClinVar aggregate classification (germline): Uncertain significance (1 of 4 stars; one submission).

Submission:

Ambry Genetics
Classification: Uncertain significance. Last evaluated: 2025-01-06. Review status: criteria provided, single submitter. Criteria: Ambry Variant Classification Scheme 2023. Collection method: clinical testing. Allele origin: germline.
Comment: The p.N1156K variant (also known as c.3468T>A), located in coding exon 2 of the TET2 gene, results from a T to A substitution at nucleotide position 3468. The asparagine at codon 1156 is replaced by lysine, an amino acid with similar properties. This amino acid position is conserved. In addition, this alteration is predicted to be tolerated by in silico analysis. Based on the available evidence, the clinical significance of this variant remains unclear.